The following is an entry in ClinVar:

ClinVar aggregate classification (germline): Uncertain significance. Review status: criteria provided, multiple submitters, no conflicts (2 of 4 stars). 3 submissions from 3 submitters: Uncertain significance (2). 1 of the submissions does not count toward it. Last evaluated 2025-09-22.

Conditions:
Peroxisome biogenesis disorder. Identifiers: Orphanet 79189, MedGen C1832200, MONDO:0019234. Disease mechanism: loss of function.
PEX6-related disorder. Also called: PEX6-related disorders; PEX6-related condition.
Inborn genetic diseases. Identifiers: MedGen C0950123, MeSH D030342.

Allele frequency attached by ClinVar (database versions not stated): gnomAD exomes 0.00001 and 0.00004; gnomAD 0.00002; TOPMed 0.00002; ExAC 0.00003; ESP Exome Variant Server 0.00008.

Submissions (3):

Ambry Genetics
Classification: Uncertain significance for Inborn genetic diseases. Last evaluated: 2025-09-22. Review status: criteria provided, single submitter. Criteria: Ambry Variant Classification Scheme 2023. Collection method: clinical testing. Allele origin: germline.

Labcorp Genetics (formerly Invitae), Labcorp
Classification: Uncertain significance for Peroxisome biogenesis disorder. Last evaluated: 2023-12-11. Review status: criteria provided, single submitter. Criteria: Invitae Variant Classification Sherloc (09022015). Collection method: clinical testing. Allele origin: germline.
Comment: This sequence change replaces arginine, which is basic and polar, with cysteine, which is neutral and slightly polar, at codon 538 of the PEX6 protein (p.Arg538Cys). This variant is present in population databases (rs374253469, gnomAD 0.01%). This variant has not been reported in the literature in individuals affected with PEX6-related conditions. ClinVar contains an entry for this variant (Variation ID: 1367788). Advanced modeling of protein sequence and biophysical properties (such as structural, functional, and spatial information, amino acid conservation, physicochemical variation, residue mobility, and thermodynamic stability) has been performed at Invitae for this missense variant, however the output from this modeling did not meet the statistical confidence thresholds required to predict the impact of this variant on PEX6 protein function. In summary, the available evidence is currently insufficient to determine the role of this variant in disease. Therefore, it has been classified as a Variant of Uncertain Significance.

PreventionGenetics, part of Exact Sciences
Classification: Uncertain significance for PEX6-related condition. Last evaluated: 2024-04-19. Review status: no assertion criteria provided. Collection method: clinical testing. Allele origin: germline. Not counted in ClinVar's aggregate classification.
Comment: The PEX6 c.1612C>T variant is predicted to result in the amino acid substitution p.Arg538Cys. To our knowledge, this variant has not been reported in the literature. This variant is reported in 0.017% of alleles in individuals of Latino descent in gnomAD. At this time, the clinical significance of this variant is uncertain due to the absence of conclusive functional and genetic evidence.

NM_000287.4(PEX6):c.1612C>T (p.Arg538Cys)

Gene: PEX6 (peroxisomal biogenesis factor 6; minus strand). Cytogenetic location: 6p21.1.
Variant type: single nucleotide variant.
Coding change: c.1612C>T on transcript NM_000287.4 (MANE Select); coding-DNA position 1612, C replaced by T.
Protein change: p.Arg538Cys; replaces arginine 538 with cysteine.
Molecular consequence: missense variant. On other transcripts: non-coding transcript variant (1).
Genome position (GRCh38, 1-based): chr6:42,968,366, G>A on the plus strand (C>T on the coding strand, the complement: PEX6 is on the minus strand). VCF-style: chr6-42968366-G-A. GRCh37 (hg19) VCF-style: chr6-42936104-G-A.
Other names: c.1348C>T, p.Arg450Cys (NM_001316313.2); c.1612C>T (NM_000287.3); short protein forms R538C, R450C.
Identifiers: ClinVar variation 1367788 (VCV001367788.6), dbSNP rs374253469, ClinGen allele CA3811280.